The following is an entry in ClinVar:

ClinVar aggregate classification (germline): Uncertain significance (1 of 4 stars; one submission).

Conditions:
Epileptic encephalopathy. Identifiers: MedGen C0543888, HP:0200134.

Submission:

Labcorp Genetics (formerly Invitae), Labcorp
Classification: Uncertain significance for Epileptic encephalopathy. Last evaluated: 2025-12-17. Review status: criteria provided, single submitter. Criteria: Invitae Variant Classification Sherloc (09022015). Collection method: clinical testing. Allele origin: germline.
Comment: This sequence change replaces glutamic acid, which is acidic and polar, with glycine, which is neutral and non-polar, at codon 1364 of the FASN protein (p.Glu1364Gly). This variant is not present in population databases (gnomAD no frequency). This variant has not been reported in the literature in individuals affected with FASN-related conditions. An algorithm developed to predict the effect of missense changes on protein structure and function (PolyPhen-2) suggests that this variant is likely to be tolerated. In summary, the available evidence is currently insufficient to determine the role of this variant in disease. Therefore, it has been classified as a Variant of Uncertain Significance.

NM_004104.5(FASN):c.4091A>G (p.Glu1364Gly)

Gene: FASN (fatty acid synthase; minus strand). Cytogenetic location: 17q25.3.
Variant type: single nucleotide variant.
Coding change: c.4091A>G on transcript NM_004104.5 (MANE Select); coding-DNA position 4091, A replaced by G.
Protein change: p.Glu1364Gly; replaces glutamic acid 1364 with glycine.
Molecular consequence: missense variant.
Genome position (GRCh38, 1-based): chr17:82,085,513, T>C on the plus strand (A>G on the coding strand, the complement: FASN is on the minus strand). VCF-style: chr17-82085513-T-C. GRCh37 (hg19) VCF-style: chr17-80043389-T-C.
Other names: short protein forms E1364G.
Identifiers: ClinVar variation 4726055 (VCV004726055.1).